The following is an entry in ClinVar:

ClinVar aggregate classification (germline): Uncertain significance (1 of 4 stars; one submission).

Allele frequency attached by ClinVar (database versions not stated): gnomAD exomes below 0.00001.
gnomAD v4.1: 4 of 1,211,306 alleles (0.00033%); highest among the groups gnomAD compares: Non-Finnish European, 0.00045%; no homozygotes.

Submission:

GeneDx
Classification: Uncertain significance. Last evaluated: 2019-09-17. Review status: criteria provided, single submitter. Criteria: GeneDx Variant Classification Process June 2021. Collection method: clinical testing. Allele origin: germline. Affected: yes.
Comment: Not observed in large population cohorts (Lek et al., 2016); In silico analysis, which includes protein predictors and evolutionary conservation, supports that this variant does not alter protein structure/function; Has not been previously published as pathogenic or benign to our knowledge

NM_001379451.1(BCORL1):c.605C>G (p.Pro202Arg)

Gene: BCORL1 (BCL6 corepressor like 1; plus strand). Cytogenetic location: Xq26.1.
Variant type: single nucleotide variant.
Coding change: c.605C>G on transcript NM_001379451.1 (MANE Select); coding-DNA position 605, C replaced by G.
Protein change: p.Pro202Arg; replaces proline 202 with arginine.
Molecular consequence: missense variant.
Genome position (GRCh38, 1-based): chrX:130,013,377, C>G. VCF-style: chrX-130013377-C-G. GRCh37 (hg19) VCF-style: chrX-129147353-C-G.
Other names: c.605C>G, p.Pro202Arg (NM_001184772.3, NM_001379450.1, NM_021946.5); short protein forms P202R.
Identifiers: ClinVar variation 429347 (VCV000429347.3), dbSNP rs1131691335, ClinGen allele CA414571859.